The following is an entry in ClinVar:

ClinVar aggregate classification (germline): Uncertain significance (1 of 4 stars; one submission).

Conditions:
EPILEPSY, CHILDHOOD ABSENCE, SUSCEPTIBILITY TO, 2 (ECA2). Identifiers: Orphanet 64280, MedGen C1843244, OMIM 607681.
Febrile seizures, familial, 8 (FEB8). Also called: CONVULSIONS, FAMILIAL FEBRILE, 8. Identifiers: Orphanet 36387, MedGen C1969810, MONDO:0011891, OMIM 607681.

Submission:

Labcorp Genetics (formerly Invitae), Labcorp
Classification: Uncertain significance for Febrile seizures, familial, 8; EPILEPSY, CHILDHOOD ABSENCE, SUSCEPTIBILITY TO, 2. Last evaluated: 2021-10-07. Review status: criteria provided, single submitter. Criteria: Invitae Variant Classification Sherloc (09022015). Collection method: clinical testing. Allele origin: germline.
Comment: Advanced modeling of protein sequence and biophysical properties (such as structural, functional, and spatial information, amino acid conservation, physicochemical variation, residue mobility, and thermodynamic stability) performed at Invitae indicates that this missense variant is expected to disrupt GABRG2 protein function. In summary, the available evidence is currently insufficient to determine the role of this variant in disease. Therefore, it has been classified as a Variant of Uncertain Significance. This variant has not been reported in the literature in individuals affected with GABRG2-related conditions. This sequence change replaces isoleucine with methionine at codon 296 of the GABRG2 protein (p.Ile296Met). The isoleucine residue is highly conserved and there is a small physicochemical difference between isoleucine and methionine. This variant is not present in population databases (ExAC no frequency).

NM_198904.4(GABRG2):c.888C>G (p.Ile296Met)

Gene: GABRG2 (gamma-aminobutyric acid type A receptor subunit gamma2; plus strand). Cytogenetic location: 5q34.
Variant type: single nucleotide variant.
Coding change: c.888C>G on transcript NM_198904.4 (MANE Select); coding-DNA position 888, C replaced by G.
Protein change: p.Ile296Met; replaces isoleucine 296 with methionine.
Molecular consequence: missense variant.
Genome position (GRCh38, 1-based): chr5:162,142,282, C>G. VCF-style: chr5-162142282-C-G. GRCh37 (hg19) VCF-style: chr5-161569288-C-G.
Other names: c.888C>G, p.Ile296Met (NM_000816.3, NM_001375340.1); c.879C>G, p.Ile293Met (NM_001375339.1); c.885C>G, p.Ile295Met (NM_001375341.1, NM_001375342.1); c.1008C>G, p.Ile336Met (NM_001375343.1, NM_198903.2); c.927C>G, p.Ile309Met (NM_001375344.1); c.822C>G, p.Ile274Met (NM_001375345.1, NM_001375346.1); c.801C>G, p.Ile267Met (NM_001375347.1); c.468C>G, p.Ile156Met (NM_001375348.1, NM_001375350.1); and 1 more; short protein forms I267M, I274M, I295M, I201M, I296M, I309M, I336M, I293M.
Identifiers: ClinVar variation 1494949 (VCV001494949.6), dbSNP rs1382620492, ClinGen allele CA362182207.
Genomic context (GRCh38, chr5:162,142,282, plus strand): 5'-CATCCAGACCTATATCCCCTGCACACTCATTGTCGTCCTATCCTGGGTGTCTTTCTGGAT[C>G]AATAAGGATGCTGTTCCAGCCAGAACATCTTTAGGTGAGACACCTTTGTTTATGTTGCAG-3'
Protein context (NP_944494.1, residues 286-306): IVVLSWVSFW[Ile296Met]NKDAVPARTS